The following is an entry in ClinVar:

ClinVar aggregate classification (germline): Uncertain significance. Review status: criteria provided, multiple submitters, no conflicts (2 of 4 stars). 2 submissions from 2 submitters: Uncertain significance (2). Last evaluated 2022-07-07.

Submissions (2):

Labcorp Genetics (formerly Invitae), Labcorp
Classification: Uncertain significance. Last evaluated: 2022-07-07. Review status: criteria provided, single submitter. Criteria: Invitae Variant Classification Sherloc (09022015). Collection method: clinical testing. Allele origin: germline.
Comment: This sequence change replaces histidine, which is basic and polar, with glutamine, which is neutral and polar, at codon 296 of the MAK protein (p.His296Gln). This variant is not present in population databases (gnomAD no frequency). This variant has not been reported in the literature in individuals affected with MAK-related conditions. Advanced modeling of protein sequence and biophysical properties (such as structural, functional, and spatial information, amino acid conservation, physicochemical variation, residue mobility, and thermodynamic stability) performed at Invitae indicates that this missense variant is not expected to disrupt MAK protein function. In summary, the available evidence is currently insufficient to determine the role of this variant in disease. Therefore, it has been classified as a Variant of Uncertain Significance.

Blueprint Genetics
Classification: Uncertain significance. Last evaluated: 2022-02-07. Review status: criteria provided, single submitter. Criteria: ACMG Guidelines, 2015. Collection method: clinical testing. Allele origin: germline.

NM_001242957.3(MAK):c.888T>G (p.His296Gln)

Gene: MAK (male germ cell associated kinase; minus strand). Cytogenetic location: 6p24.2.
Variant type: single nucleotide variant.
Coding change: c.888T>G on transcript NM_001242957.3 (MANE Select); coding-DNA position 888, T replaced by G.
Protein change: p.His296Gln; replaces histidine 296 with glutamine.
Molecular consequence: missense variant. On other transcripts: non-coding transcript variant (2).
Genome position (GRCh38, 1-based): chr6:10,796,253, A>C on the plus strand (T>G on the coding strand, the complement: MAK is on the minus strand). VCF-style: chr6-10796253-A-C. GRCh37 (hg19) VCF-style: chr6-10796486-A-C.
Other names: c.888T>G, p.His296Gln (NM_001242385.2, NM_005906.6); c.786T>G, p.His262Gln (NM_001377262.1); short protein forms H262Q, H296Q.
Identifiers: ClinVar variation 1944366 (VCV001944366.3), dbSNP rs892681490, ClinGen allele CA362719819.